The following is an entry in ClinVar:

NM_006364.4(SEC23A):c.147_155del (p.Asp50_Pro52del)

Gene: SEC23A (SEC23 homolog A, COPII component; minus strand). Cytogenetic location: 14q21.1.
Variant type: Deletion.
Coding change: c.147_155del on transcript NM_006364.4 (MANE Select); coding-DNA positions 147 to 155, 9 bases deleted (TGACTTACC; older notation c.147_155delTGACTTACC).
Protein change: p.Asp50_Pro52del.
Molecular consequence: inframe deletion.
Genome position (GRCh38, 1-based): chr14:39,095,964-39,095,972, GGTAAGTCA deleted on the plus strand (TGACTTACC on the coding strand, the reverse complement: SEC23A is on the minus strand); deleting any 9 consecutive bases within chr14:39,095,964-39,095,975 gives the same sequence; the c. name uses the placement nearest the transcript's 3' end. VCF-style (leftmost placement, unchanged base first): chr14-39095963-TGGTAAGTCA-T. GRCh37 (hg19) VCF-style: chr14-39565167-TGGTAAGTCA-T.
Identifiers: ClinVar variation 1402471 (VCV001402471.6), dbSNP rs1887873306, ClinGen allele CA613805851.

ClinVar aggregate classification (germline): Uncertain significance (1 of 4 stars; one submission).

Conditions:
Craniolenticulosutural dysplasia (CLSD). Also called: BOYADJIEV-JABS SYNDROME. Identifiers: Orphanet 50814, MedGen C1843042, MONDO:0011911, OMIM 607812.

Submission:

Labcorp Genetics (formerly Invitae), Labcorp
Classification: Uncertain significance for Craniolenticulosutural dysplasia. Last evaluated: 2025-05-22. Review status: criteria provided, single submitter. Criteria: Invitae Variant Classification Sherloc (09022015). Collection method: clinical testing. Allele origin: germline.
Comment: This variant, c.147_155del, results in the deletion of 3 amino acid(s) of the SEC23A protein (p.Asp50_Pro52del), but otherwise preserves the integrity of the reading frame. This variant is present in population databases (no rsID available, gnomAD 0.0009%). This variant has not been reported in the literature in individuals affected with SEC23A-related conditions. ClinVar contains an entry for this variant (Variation ID: 1402471). Experimental studies and prediction algorithms are not available or were not evaluated, and the functional significance of this variant is currently unknown. In summary, the available evidence is currently insufficient to determine the role of this variant in disease. Therefore, it has been classified as a Variant of Uncertain Significance.